The following is an entry in ClinVar:

NM_020975.6(RET):c.1494C>T (p.Ala498=)

Gene: RET (ret proto-oncogene; plus strand). Cytogenetic location: 10q11.21.
Variant type: single nucleotide variant.
Coding change: c.1494C>T on transcript NM_020975.6 (MANE Select); coding-DNA position 1494, C replaced by T.
Protein change: p.Ala498=; no amino-acid change (alanine 498 retained).
Molecular consequence: synonymous variant. On other transcripts: intron variant (15).
Genome position (GRCh38, 1-based): chr10:43,111,437, C>T. VCF-style: chr10-43111437-C-T. GRCh37 (hg19) VCF-style: chr10-43606885-C-T.
Other names: c.732C>T, p.Ala244= (NM_001355216.2); c.1494C>T, p.Ala498= (NM_001406743.1, NM_001406744.1, NM_001406759.1 and 4 more transcripts); c.1365C>T, p.Ala455= (NM_001406761.1, NM_001406762.1, NM_001406764.1 and 1 more transcripts); c.1206C>T, p.Ala402= (NM_001406766.1, NM_001406767.1, NM_001406770.1); c.1098C>T, p.Ala366= (NM_001406769.1, NM_001406772.1); c.1056C>T, p.Ala352= (NM_001406771.1, NM_001406773.1); c.969C>T, p.Ala323= (NM_001406774.1); c.768C>T, p.Ala256= (NM_001406775.1, NM_001406776.1, NM_001406777.1 and 1 more transcripts); and 5 more.
Identifiers: ClinVar variation 3342159 (VCV003342159.16).
Genomic context (GRCh38, chr10:43,111,437, plus strand): 5'-TGCCGAACTTCACTACATGGTGGTGGCCACCGACCAGCAGACCTCTAGGCAGGCCCAGGC[C>T]CAGCTGCTTGTAACAGTGGAGGGGTCATGTGAGTGCCTGCTCCAGGGAGGGAGGGTCGGG-3'
Protein context (NP_066124.1, residues 488-508): TDQQTSRQAQ[Ala498=]QLLVTVEGSY

ClinVar aggregate classification (germline): Likely benign (1 of 4 stars; one submission).

Submission:

CeGaT Center for Human Genetics Tuebingen
Classification: Likely benign. Last evaluated: 2024-08-01. Review status: criteria provided, single submitter. Criteria: CeGaT Center For Human Genetics Tuebingen Variant Classification Criteria Version 2. Collection method: clinical testing. Allele origin: germline. Affected: yes. Observed: 1 variant allele.
Comment: RET: PM2:Supporting, BP4, BP7